The following is an entry in ClinVar:

ClinVar aggregate classification (germline): Uncertain significance (1 of 4 stars; one submission).

Conditions:
Adenylosuccinate lyase deficiency (ADSLD). Also called: ADSL DEFICIENCY. Identifiers: Orphanet 46, MedGen C0268126, MONDO:0007068, OMIM 103050.

Allele frequency attached by ClinVar (database versions not stated): TOPMed 0.00003; gnomAD 0.00004.

Submission:

Labcorp Genetics (formerly Invitae), Labcorp
Classification: Uncertain significance for Adenylosuccinate lyase deficiency. Last evaluated: 2022-10-17. Review status: criteria provided, single submitter. Criteria: Invitae Variant Classification Sherloc (09022015). Collection method: clinical testing. Allele origin: germline.
Comment: This variant occurs in a non-coding region of the ADSL gene. It does not change the encoded amino acid sequence of the ADSL protein. The frequency data for this variant in the population databases is considered unreliable, as metrics indicate poor data quality at this position in the gnomAD database. This variant has not been reported in the literature in individuals affected with ADSL-related conditions. Experimental studies and prediction algorithms are not available or were not evaluated, and the functional significance of this variant is currently unknown. In summary, the available evidence is currently insufficient to determine the role of this variant in disease. Therefore, it has been classified as a Variant of Uncertain Significance.

NC_000022.11:g.40345634T>C

Gene: ADSL (adenylosuccinate lyase; plus strand). Cytogenetic location: 22q13.1.
Variant type: single nucleotide variant.
Genome position: GRCh38 VCF-style: chr22-40345634-T-C. GRCh37 (hg19) VCF-style: chr22-40741638-T-C.
Identifiers: ClinVar variation 1511490 (VCV001511490.3), dbSNP rs897270801, ClinGen allele CA324446311.